The following is an entry in ClinVar:

NM_000550.3(TYRP1):c.860G>A (p.Arg287Gln)

Gene: TYRP1 (tyrosinase related protein 1; plus strand). Cytogenetic location: 9p23.
Variant type: single nucleotide variant.
Coding change: c.860G>A on transcript NM_000550.3 (MANE Select); coding-DNA position 860, G replaced by A.
Protein change: p.Arg287Gln; replaces arginine 287 with glutamine.
Molecular consequence: missense variant.
Genome position (GRCh38, 1-based): chr9:12,698,602, G>A. VCF-style: chr9-12698602-G-A. GRCh37 (hg19) VCF-style: chr9-12698602-G-A.
Other names: short protein forms R287Q.
Identifiers: ClinVar variation 1939550 (VCV001939550.2), dbSNP rs758440173, ClinGen allele CA4985348.
Genomic context (GRCh38, chr9:12,698,602, plus strand): 5'-GATCCAGAAGCAACTTTGATTCCACTCTAATAAGCCCAAACTCTGTCTTTTCTCAATGGC[G>A]AGTGGTCTGTGACTCCTTGGAAGATTATGATACCCTGGGAACACTTTGTAACAGTAAGTT-3'
Protein context (NP_000541.1, residues 277-297): ISPNSVFSQW[Arg287Gln]VVCDSLEDYD

ClinVar aggregate classification (germline): Uncertain significance (1 of 4 stars; one submission).

Allele frequency attached by ClinVar (database versions not stated): TOPMed below 0.00001; gnomAD 0.00001; ExAC 0.00002.

Submission:

Labcorp Genetics (formerly Invitae), Labcorp
Classification: Uncertain significance. Last evaluated: 2022-08-19. Review status: criteria provided, single submitter. Criteria: Invitae Variant Classification Sherloc (09022015). Collection method: clinical testing. Allele origin: germline.
Comment: This sequence change replaces arginine, which is basic and polar, with glutamine, which is neutral and polar, at codon 287 of the TYRP1 protein (p.Arg287Gln). This variant is present in population databases (rs758440173, gnomAD 0.02%). This variant has not been reported in the literature in individuals affected with TYRP1-related conditions. Algorithms developed to predict the effect of missense changes on protein structure and function (SIFT, PolyPhen-2, Align-GVGD) all suggest that this variant is likely to be tolerated. In summary, the available evidence is currently insufficient to determine the role of this variant in disease. Therefore, it has been classified as a Variant of Uncertain Significance.